The following is an entry in ClinVar:

NM_001013838.3(CARMIL2):c.2830C>T (p.Pro944Ser)

Gene: CARMIL2 (capping protein regulator and myosin 1 linker 2; plus strand). Cytogenetic location: 16q22.1.
Variant type: single nucleotide variant.
Coding change: c.2830C>T on transcript NM_001013838.3 (MANE Select); coding-DNA position 2830, C replaced by T.
Protein change: p.Pro944Ser; replaces proline 944 with serine.
Molecular consequence: missense variant.
Genome position (GRCh38, 1-based): chr16:67,652,484, C>T. VCF-style: chr16-67652484-C-T. GRCh37 (hg19) VCF-style: chr16-67686387-C-T.
Other names: c.2722C>T, p.Pro908Ser (NM_001317026.3); short protein forms P908S, P944S.
Identifiers: ClinVar variation 3677044 (VCV003677044.2).

ClinVar aggregate classification (germline): Uncertain significance (1 of 4 stars; one submission).

gnomAD v4.1: 5 of 1,613,616 alleles (0.00031%); highest among the groups gnomAD compares: East Asian, 0.0089%; no homozygotes.

Submission:

Labcorp Genetics (formerly Invitae), Labcorp
Classification: Uncertain significance. Last evaluated: 2024-04-15. Review status: criteria provided, single submitter. Criteria: Invitae Variant Classification Sherloc (09022015). Collection method: clinical testing. Allele origin: germline.
Comment: This sequence change replaces proline, which is neutral and non-polar, with serine, which is neutral and polar, at codon 944 of the CARMIL2 protein (p.Pro944Ser). This variant is present in population databases (rs775335623, gnomAD 0.02%). This variant has not been reported in the literature in individuals affected with CARMIL2-related conditions. Algorithms developed to predict the effect of missense changes on protein structure and function output the following: SIFT: "Not Available"; PolyPhen-2: "Benign"; Align-GVGD: "Not Available". The serine amino acid residue is found in multiple mammalian species, which suggests that this missense change does not adversely affect protein function. In summary, the available evidence is currently insufficient to determine the role of this variant in disease. Therefore, it has been classified as a Variant of Uncertain Significance.